The following is an entry in ClinVar:

ClinVar aggregate classification (germline): Uncertain significance (1 of 4 stars; one submission).

Conditions:
Joubert syndrome. Also called: CEREBELLOPARENCHYMAL DISORDER IV; JOUBERT-BOLTSHAUSER SYNDROME; Familial aplasia of the vermis. Identifiers: Orphanet 475, MedGen C5979921, MONDO:0018772.

Allele frequency attached by ClinVar (database versions not stated): TOPMed below 0.00001.

Submission:

Labcorp Genetics (formerly Invitae), Labcorp
Classification: Uncertain significance for Joubert syndrome. Last evaluated: 2024-10-25. Review status: criteria provided, single submitter. Criteria: Invitae Variant Classification Sherloc (09022015). Collection method: clinical testing. Allele origin: germline.
Comment: This sequence change replaces alanine, which is neutral and non-polar, with proline, which is neutral and non-polar, at codon 253 of the INPP5E protein (p.Ala253Pro). This variant is not present in population databases (gnomAD no frequency). This variant has not been reported in the literature in individuals affected with INPP5E-related conditions. ClinVar contains an entry for this variant (Variation ID: 1996849). Invitae Evidence Modeling of protein sequence and biophysical properties (such as structural, functional, and spatial information, amino acid conservation, physicochemical variation, residue mobility, and thermodynamic stability) indicates that this missense variant is not expected to disrupt INPP5E protein function with a negative predictive value of 95%. In summary, the available evidence is currently insufficient to determine the role of this variant in disease. Therefore, it has been classified as a Variant of Uncertain Significance.

NM_019892.6(INPP5E):c.757G>C (p.Ala253Pro)

Gene: INPP5E (inositol polyphosphate-5-phosphatase E; minus strand). Cytogenetic location: 9q34.3.
Variant type: single nucleotide variant.
Coding change: c.757G>C on transcript NM_019892.6 (MANE Select); coding-DNA position 757, G replaced by C.
Protein change: p.Ala253Pro; replaces alanine 253 with proline.
Molecular consequence: missense variant.
Genome position (GRCh38, 1-based): chr9:136,438,663, C>G on the plus strand (G>C on the coding strand, the complement: INPP5E is on the minus strand). VCF-style: chr9-136438663-C-G. GRCh37 (hg19) VCF-style: chr9-139333115-C-G.
Other names: c.757G>C, p.Ala253Pro (NM_001318502.2); short protein forms A253P.
Identifiers: ClinVar variation 1996849 (VCV001996849.4), dbSNP rs745845949, ClinGen allele CA375567732.